The following is an entry in ClinVar:

ClinVar aggregate classification (germline): Uncertain significance (1 of 4 stars; one submission).

Conditions:
Autosomal recessive limb-girdle muscular dystrophy type 2Y (MRRSDC). Also called: Muscular dystrophy, limb-girdle, type 2y; Muscular dystrophy, autosomal recessive, with rigid spine and distal joint contractures. Identifiers: Orphanet 424261, MedGen C4511482, MONDO:0014900, OMIM 617072.

Allele frequency attached by ClinVar (database versions not stated): TOPMed below 0.00001; gnomAD 0.00001.
gnomAD v4.1: 1 of 1,519,186 alleles (0.000066%); highest among the groups gnomAD compares: Non-Finnish European, 0.000088%; no homozygotes.

Submission:

Labcorp Genetics (formerly Invitae), Labcorp
Classification: Uncertain significance for Autosomal recessive limb-girdle muscular dystrophy type 2Y. Last evaluated: 2025-10-02. Review status: criteria provided, single submitter. Criteria: Invitae Variant Classification Sherloc (09022015). Collection method: clinical testing. Allele origin: germline.
Comment: This sequence change replaces glutamic acid, which is acidic and polar, with valine, which is neutral and non-polar, at codon 27 of the TOR1AIP1 protein (p.Glu27Val). This variant is not present in population databases (gnomAD no frequency). This variant has not been reported in the literature in individuals affected with TOR1AIP1-related conditions. ClinVar contains an entry for this variant (Variation ID: 971597). An algorithm developed to predict the effect of missense changes on protein structure and function (PolyPhen-2) suggests that this variant is likely to be disruptive. In summary, the available evidence is currently insufficient to determine the role of this variant in disease. Therefore, it has been classified as a Variant of Uncertain Significance.

NM_015602.4(TOR1AIP1):c.80A>T (p.Glu27Val)

Genes: TOR1AIP1 (torsin 1A interacting protein 1; plus strand), LOC112577517 (Sharpr-MPRA regulatory region 13766; plus strand). Cytogenetic location: 1q25.2.
Variant type: single nucleotide variant.
Coding change: c.80A>T on transcript NM_015602.4 (MANE Select); coding-DNA position 80, A replaced by T.
Protein change: p.Glu27Val; replaces glutamic acid 27 with valine.
Molecular consequence: missense variant.
Genome position (GRCh38, 1-based): chr1:179,882,582, A>T. VCF-style: chr1-179882582-A-T. GRCh37 (hg19) VCF-style: chr1-179851717-A-T.
Other names: c.80A>T, p.Glu27Val (NM_001267578.2); short protein forms E27V.
Identifiers: ClinVar variation 971597 (VCV000971597.7), dbSNP rs1647741420, ClinGen allele CA343577607.